The following is an entry in ClinVar:

NM_001170629.2(CHD8):c.6037G>A (p.Ala2013Thr)

Gene: CHD8 (chromodomain helicase DNA binding protein 8; minus strand). Cytogenetic location: 14q11.2.
Variant type: single nucleotide variant.
Coding change: c.6037G>A on transcript NM_001170629.2 (MANE Select); coding-DNA position 6037, G replaced by A.
Protein change: p.Ala2013Thr; replaces alanine 2013 with threonine.
Molecular consequence: missense variant.
Genome position (GRCh38, 1-based): chr14:21,393,758, C>T on the plus strand (G>A on the coding strand, the complement: CHD8 is on the minus strand). VCF-style: chr14-21393758-C-T. GRCh37 (hg19) VCF-style: chr14-21861917-C-T.
Other names: c.5200G>A, p.Ala1734Thr (NM_020920.4); short protein forms A1734T, A2013T.
Identifiers: ClinVar variation 2133371 (VCV002133371.4), dbSNP rs2501856636, ClinGen allele CA388880541.

ClinVar aggregate classification (germline): Uncertain significance (1 of 4 stars; one submission).

Submission:

Labcorp Genetics (formerly Invitae), Labcorp
Classification: Uncertain significance. Last evaluated: 2022-06-08. Review status: criteria provided, single submitter. Criteria: Invitae Variant Classification Sherloc (09022015). Collection method: clinical testing. Allele origin: germline.
Comment: Algorithms developed to predict the effect of missense changes on protein structure and function output the following: SIFT: "Tolerated"; PolyPhen-2: "Benign"; Align-GVGD: "Class C0". The threonine amino acid residue is found in multiple mammalian species, which suggests that this missense change does not adversely affect protein function. In summary, the available evidence is currently insufficient to determine the role of this variant in disease. Therefore, it has been classified as a Variant of Uncertain Significance. This variant has not been reported in the literature in individuals affected with CHD8-related conditions. This variant is not present in population databases (gnomAD no frequency). This sequence change replaces alanine, which is neutral and non-polar, with threonine, which is neutral and polar, at codon 2013 of the CHD8 protein (p.Ala2013Thr).